The following is an entry in ClinVar:

NM_007118.4(TRIO):c.5046C>T (p.Thr1682=)

Gene: TRIO (trio Rho guanine nucleotide exchange factor; plus strand). Cytogenetic location: 5p15.2.
Variant type: single nucleotide variant.
Coding change: c.5046C>T on transcript NM_007118.4 (MANE Select); coding-DNA position 5046, C replaced by T.
Protein change: p.Thr1682=; no amino-acid change (threonine 1682 retained).
Molecular consequence: synonymous variant. On other transcripts: non-coding transcript variant (1).
Genome position (GRCh38, 1-based): chr5:14,419,864, C>T. VCF-style: chr5-14419864-C-T. GRCh37 (hg19) VCF-style: chr5-14419973-C-T.
Identifiers: ClinVar variation 1176483 (VCV001176483.36), dbSNP rs368532698, ClinGen allele CA3206653.

ClinVar aggregate classification (germline): Likely benign. Review status: criteria provided, multiple submitters, no conflicts (2 of 4 stars). 2 submissions from 2 submitters: Likely benign (2). Last evaluated 2022-11-01.

Allele frequency attached by ClinVar (database versions not stated): gnomAD 0.00002 and 0.00003; TOPMed 0.00005; ESP Exome Variant Server 0.00008; 1000 Genomes Project 30x 0.00016; 1000 Genomes Project 0.00020.
gnomAD v4.1: 42 of 1,614,192 alleles (0.0026%); highest among the groups gnomAD compares: Middle Eastern, 0.049%; 1 homozygote.

Submissions (2):

CeGaT Center for Human Genetics Tuebingen
Classification: Likely benign. Last evaluated: 2022-11-01. Review status: criteria provided, single submitter. Criteria: CeGaT Center For Human Genetics Tuebingen Variant Classification Criteria Version 2. Collection method: clinical testing. Allele origin: germline. Affected: yes. Observed: 2 variant alleles.
Comment: TRIO: BP4, BP7

Breakthrough Genomics
Classification: Likely benign. Review status: criteria provided, single submitter. Criteria: ACMG Guidelines, 2015. Collection method: not provided. Allele origin: germline. Inheritance: Autosomal dominant inheritance. Affected: yes.